The following is an entry in ClinVar:

ClinVar aggregate classification (germline): Benign/Likely benign. Review status: criteria provided, multiple submitters, no conflicts (2 of 4 stars). 6 submissions from 5 submitters: Benign (1); Likely benign (2). 3 of the submissions do not count toward it. Last evaluated 2025-10-08.

Conditions:
Microcephaly. Also called: Microcephaly (disease). Identifiers: MedGen C4551563, MONDO:0001149, HP:0000252.
PRDM16-related disorder. Also called: PRDM16-related condition.
Left ventricular noncompaction 8 (LVNC8). Identifiers: Orphanet 154, Orphanet 54260, MedGen C3809288, MONDO:0014152, OMIM 615373.

Allele frequency attached by ClinVar (database versions not stated): TOPMed 0.00060; 1000 Genomes Project 30x 0.00078; 1000 Genomes Project 0.00100.
gnomAD v4.1: 297 of 1,613,180 alleles (0.018%); highest among the groups gnomAD compares: East Asian, 0.55%; 1 homozygote.

Submissions (6):

Labcorp Genetics (formerly Invitae), Labcorp
Classification: Benign for Left ventricular noncompaction 8. Last evaluated: 2025-10-08. Review status: criteria provided, single submitter. Criteria: Invitae Variant Classification Sherloc (09022015). Collection method: clinical testing. Allele origin: germline.

Blueprint Genetics
Classification: Likely benign. Last evaluated: 2024-07-17. Review status: criteria provided, single submitter. Criteria: ACMG Guidelines, 2015. Collection method: clinical testing. Allele origin: germline.

GeneDx
Classification: Likely benign. Last evaluated: 2021-01-12. Review status: criteria provided, single submitter. Criteria: GeneDx Variant Classification Process June 2021. Collection method: clinical testing. Allele origin: germline. Affected: yes.

PreventionGenetics, part of Exact Sciences
Classification: Benign for PRDM16-related condition. Last evaluated: 2019-06-19. Review status: no assertion criteria provided. Collection method: clinical testing. Allele origin: germline. Not counted in ClinVar's aggregate classification.
Comment: This variant is classified as benign based on ACMG/AMP sequence variant interpretation guidelines (Richards et al. 2015 PMID: 25741868, with internal and published modifications).

Department of Pediatrics, Samsung Medical Center, Samsung Medical Center
Classification: Uncertain significance for Microcephaly. Review status: no assertion criteria provided. Criteria: ACMG Guidelines, 2015. Collection method: research. Allele origin: germline. Affected: yes. Not counted in ClinVar's aggregate classification.

GeneDx
Classification: Uncertain significance. Last evaluated: 2016-12-14. Review status: flagged submission. Criteria: GeneDx Variant Classification (06012015). Collection method: clinical testing. Allele origin: germline. Affected: yes. Not counted in ClinVar's aggregate classification.
Comment: A variant of uncertain significance has been identified in the PRDM16 gene. The L939V variant has not been published as a pathogenic variant or been reported as a benign variant to our knowledge. Although the L939V variant is a conservative amino acid substitution, which is not likely to impact secondary protein structure as these residues share similar properties, it occurs at a position that is conserved across species. Furthermore, in silico analysis predicts this variant may be damaging to the protein structure/function. Nevertheless, ExAC reports L939V was observed in approximately 0.8% of alleles from individuals of East Asian ancestry, indicating it may be a rare benign variant in this population.Therefore, based on the currently available information, it is unclear whether this variant is pathogenic or a rare benign variant in individuals of Asian ancestry. This result cannot be interpreted for diagnosis or used for family member screening at this time.
ClinVar note: Reason: This record appears to be redundant with a more recent record from the same submitter.
ClinVar note: Notes: SCV000492424 appears to be redundant with SCV001770303.

NM_022114.4(PRDM16):c.2815C>G (p.Leu939Val)

Gene: PRDM16 (PR/SET domain 16; plus strand). Cytogenetic location: 1p36.32.
Variant type: single nucleotide variant.
Coding change: c.2815C>G on transcript NM_022114.4 (MANE Select); coding-DNA position 2815, C replaced by G.
Protein change: p.Leu939Val; replaces leucine 939 with valine.
Molecular consequence: missense variant.
Genome position (GRCh38, 1-based): chr1:3,417,951, C>G. VCF-style: chr1-3417951-C-G. GRCh37 (hg19) VCF-style: chr1-3334515-C-G.
Other names: c.2815C>G, p.Leu939Val (NM_199454.3); short protein forms L939V.
Identifiers: ClinVar variation 373801 (VCV000373801.20), dbSNP rs150022595, ClinGen allele CA544618.
Genomic context (GRCh38, chr1:3,417,951, plus strand): 5'-GGCAGCTCCCTGCAGCCCCTCCCCCACCACCCCTTCAACTTCCGGTCCCCACCCCCAACG[C>G]TCTCCGACCCCATCCTCAGGAAGGGCAAGGAGCGATACACGTGCAGGTGAGGGGCCCTTT-3'
Protein context (NP_071397.3, residues 929-949): PFNFRSPPPT[Leu939Val]SDPILRKGKE